The following is an entry in ClinVar:

NM_001308093.3(GATA4):c.710A>G (p.Tyr237Cys)

Gene: GATA4 (GATA binding protein 4). Cytogenetic location: 8p23.1.
Variant type: single nucleotide variant.
Coding change: c.710A>G on transcript NM_001308093.3 (MANE Select); coding-DNA position 710, A replaced by G.
Protein change: p.Tyr237Cys; replaces tyrosine 237 with cysteine.
Molecular consequence: missense variant.
Genome position (GRCh38, 1-based): chr8:11,749,009, A>G. VCF-style: chr8-11749009-A-G. GRCh37 (hg19) VCF-style: chr8-11606518-A-G.
Other names: c.89A>G, p.Tyr30Cys (NM_001374273.1, NM_001374274.1, NM_001308094.2); c.707A>G, p.Tyr236Cys (NM_002052.5); short protein forms Y236C, Y237C, Y30C.
Identifiers: ClinVar variation 3616750 (VCV003616750.2).

ClinVar aggregate classification (germline): Uncertain significance (1 of 4 stars; one submission).

Conditions:
Atrioventricular septal defect 4 (AVSD4). Identifiers: MedGen C3280781, MONDO:0013747, OMIM 614430.

Submission:

Labcorp Genetics (formerly Invitae), Labcorp
Classification: Uncertain significance for Atrioventricular septal defect 4. Last evaluated: 2024-02-22. Review status: criteria provided, single submitter. Criteria: Invitae Variant Classification Sherloc (09022015). Collection method: clinical testing. Allele origin: germline.
Comment: This sequence change replaces tyrosine, which is neutral and polar, with cysteine, which is neutral and slightly polar, at codon 236 of the GATA4 protein (p.Tyr236Cys). This variant is not present in population databases (gnomAD no frequency). This variant has not been reported in the literature in individuals affected with GATA4-related conditions. Advanced modeling of protein sequence and biophysical properties (such as structural, functional, and spatial information, amino acid conservation, physicochemical variation, residue mobility, and thermodynamic stability) performed at Invitae indicates that this missense variant is expected to disrupt GATA4 protein function with a positive predictive value of 80%. In summary, the available evidence is currently insufficient to determine the role of this variant in disease. Therefore, it has been classified as a Variant of Uncertain Significance.